The following is an entry in ClinVar:

ClinVar aggregate classification (germline): Pathogenic (1 of 4 stars; one submission).

Conditions:
Usher syndrome type 1 (USH1). Also called: RETINITIS PIGMENTOSA AND CONGENITAL DEAFNESS. Identifiers: Orphanet 231169, Orphanet 886, MedGen C1568247, MONDO:0010168, OMIM 276900.

Submission:

Myriad Genetics, Inc.
Classification: Pathogenic for Usher syndrome type 1. Last evaluated: 2025-12-15. Review status: criteria provided, single submitter. Criteria: Myriad Autosomal Dominant, Autosomal Recessive and X-Linked Classification Criteria (2023). Collection method: clinical testing. Allele origin: unknown.
Comment: NM_000260.3(MYO7A):c.395_413del19(P132Lfs*8) is expected to be pathogenic in the context of MYO7A-related disorders. This variant is predicted to lead to an abnormal or absent protein product due to the creation of a premature termination codon in MYO7A, a gene where loss-of-function variants are known to be pathogenic. Please note: this variant was assessed in the context of healthy population screening.

NM_000260.4(MYO7A):c.395_413del (p.Pro132fs)

Gene: MYO7A (myosin VIIA; plus strand). Cytogenetic location: 11q13.5.
Variant type: Deletion.
Coding change: c.395_413del on transcript NM_000260.4 (MANE Select); coding-DNA positions 395 to 413, 19 bases deleted (CCCACATCTTTGCCATTGC).
Protein change: p.Pro132fs; shifts the reading frame from proline 132.
Molecular consequence: frameshift variant.
Genome position (GRCh38, 1-based): chr11:77,156,016-77,156,034, CCCACATCTTTGCCATTGC deleted; deleting any 19 consecutive bases within chr11:77,156,015-77,156,034 gives the same sequence; the c. name uses the placement nearest the transcript's 3' end. VCF-style (leftmost placement, unchanged base first): chr11-77156014-CCCCCACATCTTTGCCATTG-C. GRCh37 (hg19) VCF-style: chr11-76867060-CCCCCACATCTTTGCCATTG-C.
Other names: c.395_413del, p.Pro132fs (NM_001127180.2); c.362_380del, p.Pro121fs (NM_001369365.1); short protein forms P121fs, P132fs.
Identifiers: ClinVar variation 5015322 (VCV005015322.1).